The following is an entry in ClinVar:

ClinVar aggregate classification (germline): Uncertain significance (0 of 4 stars; one submission).

Conditions:
Prostate cancer. Also called: Malignant tumor of prostate. Identifiers: Orphanet 1331, MedGen C0376358, MONDO:0008315, HP:0012125.

Submission:

Science for Life laboratory,  Karolinska Institutet
Classification: Uncertain significance for Malignant tumor of prostate. Review status: no assertion criteria provided. Collection method: not provided. Allele origin: somatic.
Comment: TumorID:SWE-2
ClinVar note: Converted during submission from Unknown to Uncertain significance.

NM_001271.4(CHD2):c.2T>C (p.Met1Thr)

Gene: CHD2 (chromodomain helicase DNA binding protein 2; plus strand). Cytogenetic location: 15q26.1.
Variant type: single nucleotide variant.
Coding change: c.2T>C on transcript NM_001271.4 (MANE Select); coding-DNA position 2, T replaced by C.
Protein change: p.Met1Thr; changes the start codon (methionine 1).
Molecular consequence: missense variant, initiator codon variant.
Genome position (GRCh38, 1-based): chr15:92,901,239, T>C. VCF-style: chr15-92901239-T-C. GRCh37 (hg19) VCF-style: chr15-93444469-T-C.
Other names: c.2T>C, p.Met1Thr (NM_001042572.3); short protein forms M1T.
Identifiers: ClinVar variation 161507 (VCV000161507.3), dbSNP rs193920953, ClinGen allele CA174163.